The following is an entry in ClinVar:

ClinVar aggregate classification (germline): Uncertain significance (1 of 4 stars; one submission).

Conditions:
Norman-Roberts syndrome (LIS2). Also called: Lissencephaly 2 (Norman-Roberts type). Identifiers: Orphanet 89844, MedGen C0796089, MONDO:0009760, OMIM 257320.
Familial temporal lobe epilepsy 7. Identifiers: Orphanet 101046, MedGen C4225327, MONDO:0014639, OMIM 616436.

gnomAD v4.1: 5 of 1,613,362 alleles (0.00031%); highest among the groups gnomAD compares: Non-Finnish European, 0.00042%; no homozygotes.

Submission:

Labcorp Genetics (formerly Invitae), Labcorp
Classification: Uncertain significance for Familial temporal lobe epilepsy 7; Norman-Roberts syndrome. Last evaluated: 2021-05-26. Review status: criteria provided, single submitter. Criteria: Invitae Variant Classification Sherloc (09022015). Collection method: clinical testing. Allele origin: germline.
Comment: This variant has not been reported in the literature in individuals with RELN-related conditions. This variant is not present in population databases (ExAC no frequency). This sequence change replaces phenylalanine with leucine at codon 2891 of the RELN protein (p.Phe2891Leu). The phenylalanine residue is highly conserved and there is a small physicochemical difference between phenylalanine and leucine. Algorithms developed to predict the effect of missense changes on protein structure and function (SIFT, PolyPhen-2, Align-GVGD) all suggest that this variant is likely to be tolerated, but these predictions have not been confirmed by published functional studies and their clinical significance is uncertain. In summary, the available evidence is currently insufficient to determine the role of this variant in disease. Therefore, it has been classified as a Variant of Uncertain Significance.

NM_005045.4(RELN):c.8673C>A (p.Phe2891Leu)

Genes: SLC26A5-AS1 (SLC26A5 antisense RNA 1; plus strand), RELN (reelin; minus strand). Cytogenetic location: 7q22.1.
Variant type: single nucleotide variant.
Coding change: c.8673C>A on transcript NM_005045.4 (MANE Select); coding-DNA position 8673, C replaced by A.
Protein change: p.Phe2891Leu; replaces phenylalanine 2891 with leucine.
Molecular consequence: missense variant.
Genome position (GRCh38, 1-based): chr7:103,498,247, G>T on the plus strand (C>A on the coding strand, the complement: RELN is on the minus strand). VCF-style: chr7-103498247-G-T. GRCh37 (hg19) VCF-style: chr7-103138694-G-T.
Other names: c.8673C>A, p.Phe2891Leu (NM_173054.3); short protein forms F2891L.
Identifiers: ClinVar variation 1054043 (VCV001054043.9), dbSNP rs200157006, ClinGen allele CA368753810.